The following is an entry in ClinVar:

ClinVar aggregate classification (germline): Uncertain significance. Review status: criteria provided, multiple submitters, no conflicts (2 of 4 stars). 2 submissions from 2 submitters: Uncertain significance (2). Last evaluated 2026-06-01.

gnomAD v4.1: 1 of 1,613,546 alleles (0.000062%); highest among the groups gnomAD compares: Non-Finnish European, 0.000085%; no homozygotes.

Submissions (2):

CeGaT Center for Human Genetics Tuebingen
Classification: Uncertain significance. Last evaluated: 2026-06-01. Review status: criteria provided, single submitter. Criteria: CeGaT Center For Human Genetics Tuebingen Variant Classification Criteria Version 2. Collection method: clinical testing. Allele origin: germline. Affected: yes. Observed: 1 variant allele.
Comment: PACS2: PM2, BP4

GeneDx
Classification: Uncertain significance. Last evaluated: 2026-01-31. Review status: criteria provided, single submitter. Criteria: GeneDx Variant Classification Process June 2021. Collection method: clinical testing. Allele origin: germline.
Comment: Not observed at significant frequency in large population cohorts (gnomAD); In silico analysis suggests that this missense variant does not alter protein structure/function; Has not been previously published as pathogenic or benign to our knowledge

NM_001100913.3(PACS2):c.1005T>G (p.Ile335Met)

Gene: PACS2 (phosphofurin acidic cluster sorting protein 2; plus strand). Cytogenetic location: 14q32.33.
Variant type: single nucleotide variant.
Coding change: c.1005T>G on transcript NM_001100913.3 (MANE Select); coding-DNA position 1005, T replaced by G.
Protein change: p.Ile335Met; replaces isoleucine 335 with methionine.
Molecular consequence: missense variant.
Genome position (GRCh38, 1-based): chr14:105,379,784, T>G. VCF-style: chr14-105379784-T-G. GRCh37 (hg19) VCF-style: chr14-105846121-T-G.
Other names: c.1005T>G (NM_001100913.2); c.780T>G, p.Ile260Met (NM_001243127.3); c.1005T>G, p.Ile335Met (NM_015197.4); short protein forms I260M, I335M.
Identifiers: ClinVar variation 4875342 (VCV004875342.3).